The following is an entry in ClinVar:

NM_001184.4(ATR):c.41_59+264del

Genes: ATR (ATR checkpoint kinase; minus strand), LOC129937703 (ATAC-STARR-seq lymphoblastoid active region 20643; plus strand). Cytogenetic location: 3q23.
Variant type: Deletion.
Coding change: c.41_59+264del on transcript NM_001184.4 (MANE Select); coding-DNA position 41 through 264 bases into the intron after coding-DNA position 59, 283 bases deleted.
Molecular consequence: splice donor variant.
Genome position (GRCh38, 1-based): chr3:142,578,382-142,578,664, 283 bases deleted. GRCh37 (hg19): chr3:142,297,229-142,297,511.
Other names: c.41_59+264del (NM_001354579.2).
Identifiers: ClinVar variation 4713653 (VCV004713653.1).

ClinVar aggregate classification (germline): Likely pathogenic (1 of 4 stars; one submission).

Submission:

Labcorp Genetics (formerly Invitae), Labcorp
Classification: Likely pathogenic. Last evaluated: 2025-02-22. Review status: criteria provided, single submitter. Criteria: Invitae Variant Classification Sherloc (09022015). Collection method: clinical testing. Allele origin: germline.
Comment: This variant results in the deletion of part of exon 1 (c.41_59+264del) of the ATR gene. It is expected to disrupt RNA splicing. Variants that disrupt the donor or acceptor splice site typically lead to a loss of protein function (PMID: 16199547), and loss-of-function variants in ATR are known to be pathogenic (PMID: 21228398, 23144622). This variant is not present in population databases (gnomAD no frequency). This variant has not been reported in the literature in individuals affected with ATR-related conditions. In summary, the currently available evidence indicates that the variant is pathogenic, but additional data are needed to prove that conclusively. Therefore, this variant has been classified as Likely Pathogenic.

Literature cited by the submitters: PubMed 16199547; PubMed 21228398; PubMed 23144622.